The following is an entry in ClinVar:

ClinVar aggregate classification (germline): Uncertain significance (1 of 4 stars; one submission).

Submission:

Labcorp Genetics (formerly Invitae), Labcorp
Classification: Uncertain significance. Last evaluated: 2024-12-16. Review status: criteria provided, single submitter. Criteria: Invitae Variant Classification Sherloc (09022015). Collection method: clinical testing. Allele origin: germline.
Comment: This sequence change replaces leucine, which is neutral and non-polar, with phenylalanine, which is neutral and non-polar, at codon 895 of the LIFR protein (p.Leu895Phe). This variant is not present in population databases (gnomAD no frequency). This variant has not been reported in the literature in individuals affected with LIFR-related conditions. ClinVar contains an entry for this variant (Variation ID: 1414247). An algorithm developed to predict the effect of missense changes on protein structure and function (PolyPhen-2) suggests that this variant is likely to be disruptive. In summary, the available evidence is currently insufficient to determine the role of this variant in disease. Therefore, it has been classified as a Variant of Uncertain Significance.

NM_001127671.2(LIFR):c.2683C>T (p.Leu895Phe)

Gene: LIFR (LIF receptor subunit alpha; minus strand). Cytogenetic location: 5p13.1.
Variant type: single nucleotide variant.
Coding change: c.2683C>T on transcript NM_001127671.2 (MANE Select); coding-DNA position 2683, C replaced by T.
Protein change: p.Leu895Phe; replaces leucine 895 with phenylalanine.
Molecular consequence: missense variant.
Genome position (GRCh38, 1-based): chr5:38,482,206, G>A on the plus strand (C>T on the coding strand, the complement: LIFR is on the minus strand). VCF-style: chr5-38482206-G-A. GRCh37 (hg19) VCF-style: chr5-38482308-G-A.
Other names: c.2683C>T, p.Leu895Phe (NM_001364297.2, NM_002310.6); c.2650C>T, p.Leu884Phe (NM_001364298.2); short protein forms L884F, L895F.
Identifiers: ClinVar variation 1414247 (VCV001414247.8), dbSNP rs749556499, ClinGen allele CA359534454.